The following is an entry in ClinVar:

NM_017654.4(SAMD9):c.3558_3562del (p.Arg1187fs)

Gene: SAMD9 (sterile alpha motif domain containing 9; minus strand). Cytogenetic location: 7q21.2.
Variant type: Deletion.
Coding change: c.3558_3562del on transcript NM_017654.4 (MANE Select); coding-DNA positions 3558 to 3562, 5 bases deleted (AAGGC; older notation c.3558_3562delAAGGC).
Protein change: p.Arg1187fs; shifts the reading frame from arginine 1187.
Molecular consequence: frameshift variant.
Genome position (GRCh38, 1-based): chr7:93,102,536-93,102,540, GCCTT deleted on the plus strand (AAGGC on the coding strand, the reverse complement: SAMD9 is on the minus strand). VCF-style (leftmost placement, unchanged base first): chr7-93102535-CGCCTT-C. GRCh37 (hg19) VCF-style: chr7-92731848-CGCCTT-C.
Other names: c.3558_3562del, p.Arg1187fs (NM_001193307.2); c.3558_3562delAAGGC (NM_017654.3); c.3558_3562del (NM_017654.3); short protein forms R1187fs.
Identifiers: ClinVar variation 817158 (VCV000817158.3), dbSNP rs1584252276, ClinGen allele CA915945353.
Genomic context (GRCh38, chr7:93,102,535, plus strand): 5'-ATTGTGTAAAGCCCAACTTCTATCTCTCCTTGATAACCAGCTATATTGTAAGTATCATAC[CGCCTT>C]TTTGACTTCGGATACAATCTTTCCTTCACTTCATACTCTCTATCTTCACTTTGCTGTTGA-3'

ClinVar aggregate classification (germline): Uncertain significance (1 of 4 stars; one submission).

Allele frequency attached by ClinVar (database versions not stated): gnomAD exomes below 0.00001.

Submission:

GeneDx
Classification: Uncertain significance. Last evaluated: 2024-07-31. Review status: criteria provided, single submitter. Criteria: GeneDx Variant Classification Process June 2021. Collection method: clinical testing. Allele origin: germline. Affected: yes.
Comment: Not observed at significant frequency in large population cohorts (gnomAD); Frameshift variant predicted to result in abnormal protein length as the last 403 amino acids are replaced with 1 different amino acids in a gene for which loss-of-function is not an established mechanism of disease; Reported as heterozygous in the fibroblast cells, absent in the blood or bone marrow cells, in an individual with neutropenia, thrombocytopenia, anemia, and bone marrow dysplasia; this individual's unaffected mother was also heterozygous for the variant (PMID: 29146883); This variant is associated with the following publications: (PMID: 28545555, 29146883)